The following is an entry in ClinVar:

NM_001184880.2(PCDH19):c.619C>G (p.Arg207Gly)

Gene: PCDH19 (protocadherin 19; minus strand). Cytogenetic location: Xq22.1.
Variant type: single nucleotide variant.
Coding change: c.619C>G on transcript NM_001184880.2 (MANE Select); coding-DNA position 619, C replaced by G.
Protein change: p.Arg207Gly; replaces arginine 207 with glycine.
Molecular consequence: missense variant.
Genome position (GRCh38, 1-based): chrX:100,407,979, G>C on the plus strand (C>G on the coding strand, the complement: PCDH19 is on the minus strand). VCF-style: chrX-100407979-G-C. GRCh37 (hg19) VCF-style: chrX-99662977-G-C.
Other names: c.619C>G (NM_001184880.1); c.619C>G, p.Arg207Gly (NM_001105243.2, NM_020766.3); short protein forms R207G.
Identifiers: ClinVar variation 3606250 (VCV003606250.4).

ClinVar aggregate classification (germline): Conflicting classifications of pathogenicity. Review status: criteria provided, conflicting classifications (1 of 4 stars). 3 submissions from 3 submitters: Uncertain significance (2); Likely benign (1). Last evaluated 2026-05-01.

Conditions:
Developmental and epileptic encephalopathy, 9 (DEE9). Also called: Early infantile epileptic encephalopathy 9; EPILEPSY, FEMALE-RESTRICTED, WITH MENTAL RETARDATION; JUBERG-HELLMAN SYNDROME; PCDH19-Related X-Linked Female-Limited Epilepsy with Mental Retardation. Identifiers: Orphanet 101039, Orphanet 2076, MedGen C1848137, MONDO:0010246, OMIM 300088. Disease mechanism: loss of function.
Inborn genetic diseases. Identifiers: MedGen C0950123, MeSH D030342.

gnomAD v4.1: 1 of 1,208,485 alleles (0.000083%); highest among the groups gnomAD compares: Admixed American, 0.0022%; no homozygotes.

Submissions (3):

CeGaT Center for Human Genetics Tuebingen
Classification: Likely benign. Last evaluated: 2026-05-01. Review status: criteria provided, single submitter. Criteria: CeGaT Center For Human Genetics Tuebingen Variant Classification Criteria Version 2. Collection method: clinical testing. Allele origin: germline. Affected: yes. Observed: 1 variant allele.
Comment: PCDH19: BP4

Ambry Genetics
Classification: Uncertain significance for Inborn genetic diseases. Last evaluated: 2025-06-10. Review status: criteria provided, single submitter. Criteria: Ambry Variant Classification Scheme 2023. Collection method: clinical testing. Allele origin: germline.

Labcorp Genetics (formerly Invitae), Labcorp
Classification: Uncertain significance for Developmental and epileptic encephalopathy, 9. Last evaluated: 2024-09-19. Review status: criteria provided, single submitter. Criteria: Invitae Variant Classification Sherloc (09022015). Collection method: clinical testing. Allele origin: germline.
Comment: This sequence change replaces arginine, which is basic and polar, with glycine, which is neutral and non-polar, at codon 207 of the PCDH19 protein (p.Arg207Gly). This variant is present in population databases (no rsID available, gnomAD 0.004%). This variant has not been reported in the literature in individuals affected with PCDH19-related conditions. Invitae Evidence Modeling of protein sequence and biophysical properties (such as structural, functional, and spatial information, amino acid conservation, physicochemical variation, residue mobility, and thermodynamic stability) indicates that this missense variant is not expected to disrupt PCDH19 protein function with a negative predictive value of 95%. In summary, the available evidence is currently insufficient to determine the role of this variant in disease. Therefore, it has been classified as a Variant of Uncertain Significance.